The following is an entry in ClinVar:

ClinVar aggregate classification (germline): Uncertain significance (1 of 4 stars; one submission).

Conditions:
Intellectual disability, CASK-related, X-linked. Identifiers: MedGen CN043158.

Submission:

Labcorp Genetics (formerly Invitae), Labcorp
Classification: Uncertain significance for Intellectual disability, CASK-related, X-linked. Last evaluated: 2023-10-13. Review status: criteria provided, single submitter. Criteria: Invitae Variant Classification Sherloc (09022015). Collection method: clinical testing. Allele origin: germline.
Comment: This sequence change replaces threonine, which is neutral and polar, with arginine, which is basic and polar, at codon 548 of the CASK protein (p.Thr548Arg). This variant is not present in population databases (gnomAD no frequency). This variant has not been reported in the literature in individuals affected with CASK-related conditions. ClinVar contains an entry for this variant (Variation ID: 2119042). Advanced modeling of protein sequence and biophysical properties (such as structural, functional, and spatial information, amino acid conservation, physicochemical variation, residue mobility, and thermodynamic stability) has been performed at Invitae for this missense variant, however the output from this modeling did not meet the statistical confidence thresholds required to predict the impact of this variant on CASK protein function. In summary, the available evidence is currently insufficient to determine the role of this variant in disease. Therefore, it has been classified as a Variant of Uncertain Significance.

NM_001367721.1(CASK):c.1643C>G (p.Thr548Arg)

Gene: CASK (calcium/calmodulin dependent serine protein kinase; minus strand). Cytogenetic location: Xp11.4.
Variant type: single nucleotide variant.
Coding change: c.1643C>G on transcript NM_001367721.1 (MANE Select); coding-DNA position 1643, C replaced by G.
Protein change: p.Thr548Arg; replaces threonine 548 with arginine.
Molecular consequence: missense variant.
Genome position (GRCh38, 1-based): chrX:41,561,584, G>C on the plus strand (C>G on the coding strand, the complement: CASK is on the minus strand). VCF-style: chrX-41561584-G-C. GRCh37 (hg19) VCF-style: chrX-41420837-G-C.
Other names: c.1643C>G, p.Thr548Arg (NM_001126054.3, NM_003688.4); c.1625C>G, p.Thr542Arg (NM_001126055.3, NM_001410745.1); short protein forms T542R, T548R.
Identifiers: ClinVar variation 2119042 (VCV002119042.4), dbSNP rs2519772799, ClinGen allele CA412994937.
Genomic context (GRCh38, chrX:41,561,584, plus strand): 5'-CAATTTTAGGAAAGGAAAAACTTTCATTTACTTACAAGCATTTTTTGCAGTTGTTCCACT[G>C]TTTGGTTAGCCACACTGATGCCATTGATTTCTCGAATTTCATCACCAACATGAAGTGTAC-3'
Protein context (NP_001354650.1, residues 538-558): EINGISVANQ[Thr548Arg]VEQLQKMLRE